The following is an entry in ClinVar:

NM_000304.4(PMP22):c.301A>G (p.Ile101Val)

Gene: PMP22 (peripheral myelin protein 22; minus strand). Cytogenetic location: 17p12.
Variant type: single nucleotide variant.
Coding change: c.301A>G on transcript NM_000304.4 (MANE Select); coding-DNA position 301, A replaced by G.
Protein change: p.Ile101Val; replaces isoleucine 101 with valine.
Molecular consequence: missense variant. On other transcripts: non-coding transcript variant (2).
Genome position (GRCh38, 1-based): chr17:15,239,489, T>C on the plus strand (A>G on the coding strand, the complement: PMP22 is on the minus strand). VCF-style: chr17-15239489-T-C. GRCh37 (hg19) VCF-style: chr17-15142806-T-C.
Other names: c.301A>G, p.Ile101Val (NM_001281455.2, NM_001281456.2, NM_001330143.2 and 2 more transcripts); short protein forms I101V.
Identifiers: ClinVar variation 1306497 (VCV001306497.2), dbSNP rs1461201721, ClinGen allele CA398267427.

ClinVar aggregate classification (germline): Uncertain significance (1 of 4 stars; one submission).

Submission:

GeneDx
Classification: Uncertain significance. Last evaluated: 2020-08-28. Review status: criteria provided, single submitter. Criteria: GeneDx Variant Classification Process June 2021. Collection method: clinical testing. Allele origin: germline. Affected: yes.
Comment: Not observed in large population cohorts (Lek et al., 2016); In silico analysis supports that this missense variant does not alter protein structure/function; Has not been previously published as pathogenic or benign to our knowledge